The following is an entry in ClinVar:

ClinVar aggregate classification (germline): Uncertain significance (1 of 4 stars; one submission).

Conditions:
Hereditary cancer-predisposing syndrome. Also called: Neoplastic Syndromes, Hereditary; Tumor predisposition; Hereditary Cancer Syndrome; Hereditary neoplastic syndrome. Identifiers: Orphanet 140162, MedGen C0027672, MeSH D009386, MONDO:0015356.

gnomAD v4.1: 1 of 1,614,008 alleles (0.000062%); highest among the groups gnomAD compares: Non-Finnish European, 0.000085%; no homozygotes.

Submission:

Ambry Genetics
Classification: Uncertain significance for Hereditary cancer-predisposing syndrome. Last evaluated: 2026-01-20. Review status: criteria provided, single submitter. Criteria: Ambry Variant Classification Scheme 2023. Collection method: clinical testing. Allele origin: germline.
Comment: The p.D1176Y variant (also known as c.3526G>T), located in coding exon 29 of the POLE gene, results from a G to T substitution at nucleotide position 3526. The aspartic acid at codon 1176 is replaced by tyrosine, an amino acid with highly dissimilar properties. This amino acid position is conserved. In addition, the in silico prediction for this alteration is inconclusive. Based on the available evidence, the clinical significance of this variant remains unclear.

NM_006231.4(POLE):c.3526G>T (p.Asp1176Tyr)

Gene: POLE (DNA polymerase epsilon, catalytic subunit; minus strand). Cytogenetic location: 12q24.33.
Variant type: single nucleotide variant.
Coding change: c.3526G>T on transcript NM_006231.4 (MANE Select); coding-DNA position 3526, G replaced by T.
Protein change: p.Asp1176Tyr; replaces aspartic acid 1176 with tyrosine.
Molecular consequence: missense variant.
Genome position (GRCh38, 1-based): chr12:132,657,192, C>A on the plus strand (G>T on the coding strand, the complement: POLE is on the minus strand). VCF-style: chr12-132657192-C-A. GRCh37 (hg19) VCF-style: chr12-133233778-C-A.
Other names: short protein forms D1176Y.
Identifiers: ClinVar variation 4844254 (VCV004844254.1).